The following is an entry in ClinVar:

NM_005529.7(HSPG2):c.8467C>T (p.Pro2823Ser)

Gene: HSPG2 (heparan sulfate proteoglycan 2; minus strand). Cytogenetic location: 1p36.12.
Variant type: single nucleotide variant.
Coding change: c.8467C>T on transcript NM_005529.7 (MANE Select); coding-DNA position 8467, C replaced by T.
Protein change: p.Pro2823Ser; replaces proline 2823 with serine.
Molecular consequence: missense variant.
Genome position (GRCh38, 1-based): chr1:21,844,297, G>A on the plus strand (C>T on the coding strand, the complement: HSPG2 is on the minus strand). VCF-style: chr1-21844297-G-A. GRCh37 (hg19) VCF-style: chr1-22170790-G-A.
Other names: c.8470C>T, p.Pro2824Ser (NM_001291860.2); short protein forms P2823S, P2824S.
Identifiers: ClinVar variation 1520130 (VCV001520130.5), dbSNP rs1232695707, ClinGen allele CA338917810.

ClinVar aggregate classification (germline): Uncertain significance (1 of 4 stars; one submission).

Submission:

Labcorp Genetics (formerly Invitae), Labcorp
Classification: Uncertain significance. Last evaluated: 2022-08-23. Review status: criteria provided, single submitter. Criteria: Invitae Variant Classification Sherloc (09022015). Collection method: clinical testing. Allele origin: germline.
Comment: This sequence change replaces proline, which is neutral and non-polar, with serine, which is neutral and polar, at codon 2823 of the HSPG2 protein (p.Pro2823Ser). This variant is not present in population databases (gnomAD no frequency). This variant has not been reported in the literature in individuals affected with HSPG2-related conditions. ClinVar contains an entry for this variant (Variation ID: 1520130). Algorithms developed to predict the effect of missense changes on protein structure and function output the following: SIFT: "Tolerated"; PolyPhen-2: "Benign"; Align-GVGD: "Class C0". The serine amino acid residue is found in multiple mammalian species, which suggests that this missense change does not adversely affect protein function. In summary, the available evidence is currently insufficient to determine the role of this variant in disease. Therefore, it has been classified as a Variant of Uncertain Significance.